The following is an entry in ClinVar:

NM_001379200.1(TBX1):c.218C>T (p.Pro73Leu)

Gene: TBX1 (T-box transcription factor 1; plus strand). Cytogenetic location: 22q11.21.
Variant type: single nucleotide variant.
Coding change: c.218C>T on transcript NM_001379200.1 (MANE Select); coding-DNA position 218, C replaced by T.
Protein change: p.Pro73Leu; replaces proline 73 with leucine.
Molecular consequence: missense variant.
Genome position (GRCh38, 1-based): chr22:19,761,061, C>T. VCF-style: chr22-19761061-C-T. GRCh37 (hg19) VCF-style: chr22-19748584-C-T.
Other names: c.191C>T, p.Pro64Leu (NM_005992.1, NM_080646.2, NM_080647.1); short protein forms P64L, P73L.
Identifiers: ClinVar variation 1035113 (VCV001035113.9), dbSNP rs1936642852, ClinGen allele CA410681397.

ClinVar aggregate classification (germline): Uncertain significance. Review status: criteria provided, multiple submitters, no conflicts (2 of 4 stars). 2 submissions from 2 submitters: Uncertain significance (2). Last evaluated 2025-06-18.

Conditions:
Cardiovascular phenotype. Identifiers: MedGen CN230736.
DiGeorge syndrome. Also called: THIRD AND FOURTH PHARYNGEAL POUCH SYNDROME; Catch22. Identifiers: Orphanet 567, MedGen C0012236, MONDO:0008564, OMIM 188400.

Submissions (2):

Ambry Genetics
Classification: Uncertain significance for Cardiovascular phenotype. Last evaluated: 2025-06-18. Review status: criteria provided, single submitter. Criteria: Ambry Variant Classification Scheme 2023. Collection method: clinical testing. Allele origin: germline.

Labcorp Genetics (formerly Invitae), Labcorp
Classification: Uncertain significance for DiGeorge syndrome. Last evaluated: 2022-07-06. Review status: criteria provided, single submitter. Criteria: Invitae Variant Classification Sherloc (09022015). Collection method: clinical testing. Allele origin: germline.
Comment: This missense change has been observed in at least one individual who was not affected with TBX1-related conditions (Invitae). In summary, the available evidence is currently insufficient to determine the role of this variant in disease. Therefore, it has been classified as a Variant of Uncertain Significance. Algorithms developed to predict the effect of missense changes on protein structure and function are either unavailable or do not agree on the potential impact of this missense change (SIFT: "Tolerated"; PolyPhen-2: "Not Available"; Align-GVGD: "Class C0"). ClinVar contains an entry for this variant (Variation ID: 1035113). This variant has not been reported in the literature in individuals affected with TBX1-related conditions. The frequency data for this variant in the population databases is considered unreliable, as metrics indicate insufficient coverage at this position in the gnomAD database. This sequence change replaces proline, which is neutral and non-polar, with leucine, which is neutral and non-polar, at codon 64 of the TBX1 protein (p.Pro64Leu).